The following is an entry in ClinVar:

ClinVar aggregate classification (germline): Uncertain significance (1 of 4 stars; one submission).

gnomAD v4.1: 1 of 1,613,246 alleles (0.000062%); no homozygotes.

Submission:

Labcorp Genetics (formerly Invitae), Labcorp
Classification: Uncertain significance. Last evaluated: 2025-09-14. Review status: criteria provided, single submitter. Criteria: Invitae Variant Classification Sherloc (09022015). Collection method: clinical testing. Allele origin: germline.
Comment: This sequence change replaces asparagine, which is neutral and polar, with aspartic acid, which is acidic and polar, at codon 950 of the FLNB protein (p.Asn950Asp). This variant is not present in population databases (gnomAD no frequency). This variant has not been reported in the literature in individuals affected with FLNB-related conditions. Invitae Evidence Modeling of protein sequence and biophysical properties (such as structural, functional, and spatial information, amino acid conservation, physicochemical variation, residue mobility, and thermodynamic stability) indicates that this missense variant is not expected to disrupt FLNB protein function with a negative predictive value of 95%. In summary, the available evidence is currently insufficient to determine the role of this variant in disease. Therefore, it has been classified as a Variant of Uncertain Significance.

NM_001457.4(FLNB):c.2848A>G (p.Asn950Asp)

Gene: FLNB (filamin B; plus strand). Cytogenetic location: 3p14.3.
Variant type: single nucleotide variant.
Coding change: c.2848A>G on transcript NM_001457.4 (MANE Select); coding-DNA position 2848, A replaced by G.
Protein change: p.Asn950Asp; replaces asparagine 950 with aspartic acid.
Molecular consequence: missense variant.
Genome position (GRCh38, 1-based): chr3:58,118,974, A>G. VCF-style: chr3-58118974-A-G. GRCh37 (hg19) VCF-style: chr3-58104701-A-G.
Other names: c.2848A>G, p.Asn950Asp (NM_001164317.2, NM_001164318.2, NM_001164319.2); short protein forms N950D.
Identifiers: ClinVar variation 4801701 (VCV004801701.1).